The following is an entry in ClinVar:

ClinVar aggregate classification (germline): Uncertain significance. Review status: criteria provided, multiple submitters, no conflicts (2 of 4 stars). 3 submissions from 3 submitters: Uncertain significance (3). Last evaluated 2025-12-23.

Conditions:
TTN-related disorder. Also called: TTN-related disorders; TTN-related condition; TTN-related disease.

Allele frequency attached by ClinVar (database versions not stated): gnomAD exomes 0.00001 and 0.00002; ExAC 0.00002; gnomAD 0.00002; TOPMed 0.00002.
gnomAD v4.1: 38 of 1,613,668 alleles (0.0024%); highest among the groups gnomAD compares: Non-Finnish European, 0.0031%; no homozygotes.

Submissions (3):

PreventionGenetics, part of Exact Sciences
Classification: Uncertain significance for TTN-related condition. Last evaluated: 2025-12-23. Review status: criteria provided, single submitter. Criteria: ACMG Guidelines, 2015. Collection method: clinical testing. Allele origin: germline.
Comment: The TTN c.15965C>T variant is predicted to result in the amino acid substitution p.Ser5322Leu. To our knowledge, this variant has not been reported in the literature. This variant is reported in 0.0029% of alleles in individuals of Latino descent in gnomAD. At this time, the clinical significance of this variant is uncertain due to the absence of conclusive functional and genetic evidence.

Revvity Omics, Revvity
Classification: Uncertain significance. Last evaluated: 2021-08-31. Review status: criteria provided, single submitter. Criteria: ACMG Guidelines, 2015. Collection method: clinical testing. Allele origin: germline.

GeneDx
Classification: Uncertain significance. Last evaluated: 2019-10-29. Review status: criteria provided, single submitter. Criteria: GeneDx Variant Classification Process June 2021. Collection method: clinical testing. Allele origin: germline. Affected: yes.
Comment: Not observed at a significant frequency in large population cohorts (Lek et al., 2016); Missense variant in a gene in which most reported pathogenic variants are truncating/loss-of-function; Has not been previously published as pathogenic or benign to our knowledge

NM_001267550.2(TTN):c.15965C>T (p.Ser5322Leu)

Gene: TTN (titin; minus strand). Cytogenetic location: 2q31.2.
Variant type: single nucleotide variant.
Coding change: c.15965C>T on transcript NM_001267550.2 (MANE Select); coding-DNA position 15965, C replaced by T.
Protein change: p.Ser5322Leu; replaces serine 5322 with leucine.
Molecular consequence: missense variant. On other transcripts: intron variant (3).
Genome position (GRCh38, 1-based): chr2:178,733,328, G>A on the plus strand (C>T on the coding strand, the complement: TTN is on the minus strand). VCF-style: chr2-178733328-G-A. GRCh37 (hg19) VCF-style: chr2-179598055-G-A.
Other names: c.15014C>T, p.Ser5005Leu (NM_001256850.1); c.12233C>T, p.Ser4078Leu (NM_133378.4); c.13282+4754C>T (NM_003319.4); c.13858+4754C>T (NM_133437.4); c.13657+4754C>T (NM_133432.3); short protein forms S4078L, S5005L, S5322L.
Identifiers: ClinVar variation 1309756 (VCV001309756.5), dbSNP rs758182029, ClinGen allele CA2002126.